The following is an entry in ClinVar:

ClinVar aggregate classification (germline): Benign/Likely benign. Review status: criteria provided, multiple submitters, no conflicts (2 of 4 stars). 3 submissions from 3 submitters: Benign (1); Likely benign (2). Last evaluated 2024-10-14.

Conditions:
Hereditary cancer-predisposing syndrome. Also called: Neoplastic Syndromes, Hereditary; Tumor predisposition; Hereditary Cancer Syndrome; Hereditary neoplastic syndrome. Identifiers: Orphanet 140162, MedGen C0027672, MeSH D009386, MONDO:0015356.
Hereditary diffuse gastric adenocarcinoma (HDGC). Also called: DIFFUSE GASTRIC AND LOBULAR BREAST CANCER SYNDROME. Identifiers: Orphanet 26106, MedGen C1708349, MONDO:0007648, OMIM 137215.

Submissions (3):

Myriad Genetics, Inc.
Classification: Benign for Hereditary diffuse gastric adenocarcinoma. Last evaluated: 2024-10-14. Review status: criteria provided, single submitter. Criteria: Myriad Autosomal Dominant, Autosomal Recessive and X-Linked Classification Criteria (2023). Collection method: clinical testing. Allele origin: unknown.
Comment: This variant is considered benign. This variant is a silent/synonymous amino acid change and it is not expected to impact splicing.

Labcorp Genetics (formerly Invitae), Labcorp
Classification: Likely benign. Last evaluated: 2024-08-27. Review status: criteria provided, single submitter. Criteria: Invitae Variant Classification Sherloc (09022015). Collection method: clinical testing. Allele origin: germline.

Ambry Genetics
Classification: Likely benign for Hereditary cancer-predisposing syndrome. Last evaluated: 2020-11-17. Review status: criteria provided, single submitter. Criteria: Ambry Variant Classification Scheme 2023. Collection method: clinical testing. Allele origin: germline.

NM_001903.5(CTNNA1):c.2151G>A (p.Lys717=)

Gene: CTNNA1 (catenin alpha 1; plus strand). Cytogenetic location: 5q31.2.
Variant type: single nucleotide variant.
Coding change: c.2151G>A on transcript NM_001903.5 (MANE Select); coding-DNA position 2151, G replaced by A.
Protein change: p.Lys717=; no amino-acid change (lysine 717 retained).
Molecular consequence: synonymous variant.
Genome position (GRCh38, 1-based): chr5:138,930,613, G>A. VCF-style: chr5-138930613-G-A. GRCh37 (hg19) VCF-style: chr5-138266302-G-A.
Other names: c.1041G>A, p.Lys347= (NM_001323996.1, NM_001323997.1, NM_001323998.1 and 17 more transcripts); c.702G>A, p.Lys234= (NM_001324006.1, NM_001324007.1, NM_001324008.1 and 2 more transcripts); c.2151G>A, p.Lys717= (NM_001290307.3, NM_001323982.2, NM_001323983.1 and 2 more transcripts); c.1842G>A, p.Lys614= (NM_001290309.3); c.1782G>A, p.Lys594= (NM_001290310.3); c.2058G>A, p.Lys686= (NM_001323986.2); c.948G>A, p.Lys316= (NM_001324011.1); c.798G>A, p.Lys266= (NM_001324012.1, NM_001324013.1).
Identifiers: ClinVar variation 1123799 (VCV001123799.12), dbSNP rs1765093290, ClinGen allele CA446598002.